The following is an entry in ClinVar:

NM_000107.3(DDB2):c.1187C>A (p.Ser396Ter)

Gene: DDB2 (damage specific DNA binding protein 2; plus strand). Cytogenetic location: 11p11.2.
Variant type: single nucleotide variant.
Coding change: c.1187C>A on transcript NM_000107.3 (MANE Select); coding-DNA position 1187, C replaced by A.
Protein change: p.Ser396Ter; replaces serine 396 with a stop codon.
Molecular consequence: nonsense.
Genome position (GRCh38, 1-based): chr11:47,238,000, C>A. VCF-style: chr11-47238000-C-A. GRCh37 (hg19) VCF-style: chr11-47259551-C-A.
Other names: c.620C>A, p.Ser207Ter (NM_001300734.2); short protein forms S207*, S396*.
Identifiers: ClinVar variation 1333388 (VCV001333388.1), dbSNP rs781655324, ClinGen allele CA5972723.

ClinVar aggregate classification (germline): Pathogenic (1 of 4 stars; one submission).

Conditions:
Xeroderma pigmentosum, group E (XPE). Also called: Xeroderma pigmentosum, complementation group E; XERODERMA PIGMENTOSUM V; XP, GROUP E; DDB2-Related Xeroderma Pigmentosum; Xeroderma pigmentosum, group E, DDB-negative subtype; Xeroderma pigmentosum, complementation group E, DDB-negative form. Identifiers: Orphanet 910, MedGen C1848411, MONDO:0010213, OMIM 278740.

Allele frequency attached by ClinVar (database versions not stated): gnomAD exomes below 0.00001; ExAC 0.00001.

Submission:

3billion
Classification: Pathogenic for Xeroderma pigmentosum, group E. Last evaluated: 2022-01-03. Review status: criteria provided, single submitter. Criteria: ACMG Guidelines, 2015. Collection method: clinical testing. Allele origin: germline. Affected: yes. Observed: 1 homozygote.
Comment: Stop-gained (nonsense): predicted to result in a loss or disruption of normal protein function through nonsense-mediated decay (NMD) or protein truncation. Multiple pathogenic variants are reported downstream of the variant (PVS1_VS). It is observed at an extremely low frequency in the gnomAD v2.1.1 dataset (total allele frequency: 0.000007, PM2_M). Patient’s phenotype is considered compatible with DDB2-related disorder (PP4_P). Therefore, this variant is classified as pathogenic according to the recommendation of ACMG/AMP guideline.